The following is an entry in ClinVar:

NM_002471.4(MYH6):c.4629G>C (p.Gln1543His)

Gene: MYH6 (myosin heavy chain 6; minus strand). Cytogenetic location: 14q11.2.
Variant type: single nucleotide variant.
Coding change: c.4629G>C on transcript NM_002471.4 (MANE Select); coding-DNA position 4629, G replaced by C.
Protein change: p.Gln1543His; replaces glutamine 1543 with histidine.
Molecular consequence: missense variant.
Genome position (GRCh38, 1-based): chr14:23,387,550, C>G on the plus strand (G>C on the coding strand, the complement: MYH6 is on the minus strand). VCF-style: chr14-23387550-C-G. GRCh37 (hg19) VCF-style: chr14-23856759-C-G.
Other names: short protein forms Q1543H.
Identifiers: ClinVar variation 470541 (VCV000470541.12), dbSNP rs1177280918, ClinGen allele CA388995818.
Genomic context (GRCh38, chr14:23,387,550, plus strand): 5'-CAGAACAGGGATGGGGTGCAGGGAGTTCTCGGCCCTCACCTCTGCCTCCTCCAGGGCTGA[C>G]TGCAGCTCCAGCTTCTCCACCTCCAGCTGTTTGCGGACCTTCTCCAGCTCATGCACATTC-3'
Protein context (NP_002462.2, residues 1533-1553): KQLEVEKLEL[Gln1543His]SALEEAEASL

ClinVar aggregate classification (germline): Uncertain significance. Review status: criteria provided, multiple submitters, no conflicts (2 of 4 stars). 3 submissions from 3 submitters: Uncertain significance (3). Last evaluated 2026-02-26.

Conditions:
Cardiovascular phenotype. Identifiers: MedGen CN230736.
Hypertrophic cardiomyopathy 14. Identifiers: MedGen C2750467, MONDO:0013197, OMIM 613251.

gnomAD v4.1: 7 of 1,614,038 alleles (0.00043%); highest among the groups gnomAD compares: Non-Finnish European, 0.00059%; no homozygotes.

Submissions (3):

GeneDx
Classification: Uncertain significance. Last evaluated: 2026-02-26. Review status: criteria provided, single submitter. Criteria: GeneDx Variant Classification Process June 2021. Collection method: clinical testing. Allele origin: germline.
Comment: Has not been previously published as pathogenic or benign to our knowledge; Not observed in large population cohorts (gnomAD); In silico analysis supports that this missense variant has a deleterious effect on protein structure/function

Ambry Genetics
Classification: Uncertain significance for Cardiovascular phenotype. Last evaluated: 2025-05-27. Review status: criteria provided, single submitter. Criteria: Ambry Variant Classification Scheme 2023. Collection method: clinical testing. Allele origin: germline.
Comment: The p.Q1543H variant (also known as c.4629G>C), located in coding exon 30 of the MYH6 gene, results from a G to C substitution at nucleotide position 4629. The glutamine at codon 1543 is replaced by histidine, an amino acid with highly similar properties. This variant was not reported in population-based cohorts in the following databases: Database of Single Nucleotide Polymorphisms (dbSNP), Exome Aggregation Consortium (ExAC), NHLBI Exome Sequencing Project (ESP), and 1000 Genomes Project. In the ESP, this variant was not observed in 6503 samples (13006 alleles) with coverage at this position. This amino acid position is highly conserved in available vertebrate species. In addition, the in silico prediction for this alteration is inconclusive. Since supporting evidence is limited at this time, the clinical significance of this alteration remains unclear.

Labcorp Genetics (formerly Invitae), Labcorp
Classification: Uncertain significance for Hypertrophic cardiomyopathy 14. Last evaluated: 2021-11-21. Review status: criteria provided, single submitter. Criteria: Invitae Variant Classification Sherloc (09022015). Collection method: clinical testing. Allele origin: germline.
Comment: This sequence change replaces glutamine, which is neutral and polar, with histidine, which is basic and polar, at codon 1543 of the MYH6 protein (p.Gln1543His). This variant is not present in population databases (gnomAD no frequency). This variant has not been reported in the literature in individuals affected with MYH6-related conditions. ClinVar contains an entry for this variant (Variation ID: 470541). Algorithms developed to predict the effect of missense changes on protein structure and function are either unavailable or do not agree on the potential impact of this missense change (SIFT: "Deleterious"; PolyPhen-2: "Benign"; Align-GVGD: "Class C0"). In summary, the available evidence is currently insufficient to determine the role of this variant in disease. Therefore, it has been classified as a Variant of Uncertain Significance.